The following is an entry in ClinVar:

NM_000393.5(COL5A2):c.3147+325A>G

Gene: COL5A2 (collagen type V alpha 2 chain; minus strand). Cytogenetic location: 2q32.2.
Variant type: single nucleotide variant.
Coding change: c.3147+325A>G on transcript NM_000393.5 (MANE Select); 325 bases into the intron after coding-DNA position 3147, A replaced by G.
Molecular consequence: intron variant.
Genome position (GRCh38, 1-based): chr2:189,049,022, T>C on the plus strand (A>G on the coding strand, the complement: COL5A2 is on the minus strand). VCF-style: chr2-189049022-T-C. GRCh37 (hg19) VCF-style: chr2-189913748-T-C.
Identifiers: ClinVar variation 681253 (VCV000681253.1), dbSNP rs13383261, ClinGen allele CA15212646.

ClinVar aggregate classification (germline): Benign (1 of 4 stars; one submission).

Allele frequency attached by ClinVar (database versions not stated): 1000 Genomes Project 30x 0.15334; TOPMed 0.15388; 1000 Genomes Project 0.15515; gnomAD 0.17010 and 0.17089.
gnomAD v4.1: 23,417 of 136,760 alleles (17%); highest among the groups gnomAD compares: Middle Eastern, 23%; 1,786 homozygotes.

Submission:

GeneDx
Classification: Benign. Last evaluated: 2018-06-14. Review status: criteria provided, single submitter. Criteria: GeneDx Variant Classification (06012015). Collection method: clinical testing. Allele origin: germline. Affected: yes.
Comment: This variant is considered likely benign or benign based on one or more of the following criteria: it is a conservative change, it occurs at a poorly conserved position in the protein, it is predicted to be benign by multiple in silico algorithms, and/or has population frequency not consistent with disease.